The following is an entry in ClinVar:

NM_002691.4(POLD1):c.499G>A (p.Glu167Lys)

Gene: POLD1 (DNA polymerase delta 1, catalytic subunit; plus strand). Cytogenetic location: 19q13.33.
Variant type: single nucleotide variant.
Coding change: c.499G>A on transcript NM_002691.4 (MANE Select); coding-DNA position 499, G replaced by A.
Protein change: p.Glu167Lys; replaces glutamic acid 167 with lysine.
Molecular consequence: missense variant. On other transcripts: non-coding transcript variant (1).
Genome position (GRCh38, 1-based): chr19:50,402,034, G>A. VCF-style: chr19-50402034-G-A. GRCh37 (hg19) VCF-style: chr19-50905291-G-A.
Other names: c.499G>A, p.Glu167Lys (NM_001256849.1, NM_001308632.1, NM_001438210.1 and 3 more transcripts); short protein forms E167K.
Identifiers: ClinVar variation 5026989 (VCV005026989.1).
Genomic context (GRCh38, chr19:50,402,034, plus strand): 5'-CCTCTGATCATCCCTCCCACACCAGGTTTCGGGCCCGAGCACATGGGTGACCTGCAACGG[G>A]AGCTGAACTTGGCCATCAGCCGGGACAGTCGCGGGGGGAGGGAGCTGACTGGGCCGGCCG-3'
Protein context (NP_002682.2, residues 157-177): GPEHMGDLQR[Glu167Lys]LNLAISRDSR

ClinVar aggregate classification (germline): Uncertain significance (1 of 4 stars; one submission).

Conditions:
Hereditary cancer-predisposing syndrome. Also called: Neoplastic Syndromes, Hereditary; Tumor predisposition; Hereditary neoplastic syndrome; Hereditary Cancer Syndrome. Identifiers: Orphanet 140162, MedGen C0027672, MeSH D009386, MONDO:0015356.

Submission:

Ambry Genetics
Classification: Uncertain significance for Hereditary cancer-predisposing syndrome. Last evaluated: 2026-07-20. Review status: criteria provided, single submitter. Criteria: Ambry Variant Classification Scheme 2023. Collection method: clinical testing. Allele origin: germline.
Comment: The p.E167K variant (also known as c.499G>A), located in coding exon 4 of the POLD1 gene, results from a G to A substitution at nucleotide position 499. The glutamic acid at codon 167 is replaced by lysine, an amino acid with similar properties. This amino acid position is conserved. In addition, the in silico prediction for this alteration is inconclusive. Based on the available evidence, the clinical significance of this variant remains unclear.